The following is an entry in ClinVar:

ClinVar aggregate classification (germline): Benign (1 of 4 stars; one submission).

Allele frequency attached by ClinVar (database versions not stated): gnomAD 0.93166 and 0.93193; TOPMed 0.93280; 1000 Genomes Project 30x 0.94831; 1000 Genomes Project 0.95028.

Submission:

GeneDx
Classification: Benign. Last evaluated: 2018-06-18. Review status: criteria provided, single submitter. Criteria: GeneDx Variant Classification (06012015). Collection method: clinical testing. Allele origin: germline. Affected: yes.
Comment: This variant is considered likely benign or benign based on one or more of the following criteria: it is a conservative change, it occurs at a poorly conserved position in the protein, it is predicted to be benign by multiple in silico algorithms, and/or has population frequency not consistent with disease.

NM_001999.4(FBN2):c.4100-265G>A

Gene: FBN2 (fibrillin 2; minus strand). Cytogenetic location: 5q23.3.
Variant type: single nucleotide variant.
Coding change: c.4100-265G>A on transcript NM_001999.4 (MANE Select); 265 bases into the intron before coding-DNA position 4100, G replaced by A.
Molecular consequence: intron variant.
Genome position (GRCh38, 1-based): chr5:128,333,299, C>T on the plus strand (G>A on the coding strand, the complement: FBN2 is on the minus strand). VCF-style: chr5-128333299-C-T. GRCh37 (hg19) VCF-style: chr5-127668991-C-T.
Identifiers: ClinVar variation 683531 (VCV000683531.1), dbSNP rs32235, ClinGen allele CA15389877.